The following is an entry in ClinVar:

ClinVar aggregate classification (germline): Uncertain significance (1 of 4 stars; one submission).

Conditions:
3-methylglutaconic aciduria with deafness, encephalopathy, and Leigh-like syndrome (MEGDEL). Also called: MEGDEL syndrome; 3-METHYLGLUTACONIC ACIDURIA, TYPE VI; SERAC1 Deficiency. Identifiers: Orphanet 352328, MedGen C4040739, MONDO:0013875, OMIM 614739.

Submission:

Labcorp Genetics (formerly Invitae), Labcorp
Classification: Uncertain significance for 3-methylglutaconic aciduria with deafness, encephalopathy, and Leigh-like syndrome. Last evaluated: 2022-05-03. Review status: criteria provided, single submitter. Criteria: Invitae Variant Classification Sherloc (09022015). Collection method: clinical testing. Allele origin: germline.
Comment: In summary, the available evidence is currently insufficient to determine the role of this variant in disease. Therefore, it has been classified as a Variant of Uncertain Significance. Algorithms developed to predict the effect of sequence changes on RNA splicing suggest that this variant may disrupt the consensus splice site. This variant has not been reported in the literature in individuals affected with SERAC1-related conditions. This variant is not present in population databases (gnomAD no frequency). This sequence change affects codon 401 of the SERAC1 mRNA. It is a 'silent' change, meaning that it does not change the encoded amino acid sequence of the SERAC1 protein.

NM_032861.4(SERAC1):c.1203C>A (p.Gly401=)

Gene: SERAC1 (serine active site containing 1; minus strand). Cytogenetic location: 6q25.3.
Variant type: single nucleotide variant.
Coding change: c.1203C>A on transcript NM_032861.4 (MANE Select); coding-DNA position 1203, C replaced by A.
Protein change: p.Gly401=; no amino-acid change (glycine 401 retained).
Molecular consequence: synonymous variant. On other transcripts: non-coding transcript variant (1).
Genome position (GRCh38, 1-based): chr6:158,119,134, G>T on the plus strand (C>A on the coding strand, the complement: SERAC1 is on the minus strand). VCF-style: chr6-158119134-G-T. GRCh37 (hg19) VCF-style: chr6-158540166-G-T.
Identifiers: ClinVar variation 1976142 (VCV001976142.5), dbSNP rs1401013977, ClinGen allele CA452820550.